The following is an entry in ClinVar:

ClinVar aggregate classification (germline): Uncertain significance (1 of 4 stars; one submission).

Conditions:
Developmental and epileptic encephalopathy, 9 (DEE9). Also called: Early infantile epileptic encephalopathy 9; EPILEPSY, FEMALE-RESTRICTED, WITH MENTAL RETARDATION; JUBERG-HELLMAN SYNDROME; PCDH19-Related X-Linked Female-Limited Epilepsy with Mental Retardation. Identifiers: Orphanet 101039, Orphanet 2076, MedGen C1848137, MONDO:0010246, OMIM 300088. Disease mechanism: loss of function.

Submission:

Labcorp Genetics (formerly Invitae), Labcorp
Classification: Uncertain significance for Developmental and epileptic encephalopathy, 9. Last evaluated: 2024-05-08. Review status: criteria provided, single submitter. Criteria: Invitae Variant Classification Sherloc (09022015). Collection method: clinical testing. Allele origin: germline.
Comment: This sequence change replaces cysteine, which is neutral and slightly polar, with serine, which is neutral and polar, at codon 1044 of the PCDH19 protein (p.Cys1044Ser). This variant is not present in population databases (gnomAD no frequency). This variant has not been reported in the literature in individuals affected with PCDH19-related conditions. Advanced modeling of protein sequence and biophysical properties (such as structural, functional, and spatial information, amino acid conservation, physicochemical variation, residue mobility, and thermodynamic stability) performed at Invitae indicates that this missense variant is not expected to disrupt PCDH19 protein function with a negative predictive value of 95%. In summary, the available evidence is currently insufficient to determine the role of this variant in disease. Therefore, it has been classified as a Variant of Uncertain Significance.

NM_001184880.2(PCDH19):c.3130T>A (p.Cys1044Ser)

Gene: PCDH19 (protocadherin 19; minus strand). Cytogenetic location: Xq22.1.
Variant type: single nucleotide variant.
Coding change: c.3130T>A on transcript NM_001184880.2 (MANE Select); coding-DNA position 3130, T replaced by A.
Protein change: p.Cys1044Ser; replaces cysteine 1044 with serine.
Molecular consequence: missense variant.
Genome position (GRCh38, 1-based): chrX:100,296,594, A>T on the plus strand (T>A on the coding strand, the complement: PCDH19 is on the minus strand). VCF-style: chrX-100296594-A-T. GRCh37 (hg19) VCF-style: chrX-99551592-A-T.
Other names: c.2989T>A, p.Cys997Ser (NM_001105243.2); c.2986T>A, p.Cys996Ser (NM_020766.3); short protein forms C1044S, C996S, C997S.
Identifiers: ClinVar variation 3635015 (VCV003635015.2).
Genomic context (GRCh38, chrX:100,296,594, plus strand): 5'-GGCTAATCGCCTCACAGCCATTGCCTGCCTCCCGGATAACGCTGTTGACCTTGGGGCTGC[A>T]GATGGTCACATCGACAGTCCTCTTGCCTTTCAGGGTAGGCCTCTCCTCAGCCGGGTGGTC-3'
Protein context (NP_001171809.1, residues 1034-1054): KGKRTVDVTI[Cys1044Ser]SPKVNSVIRE